The following is an entry in ClinVar:

ClinVar aggregate classification (germline): Uncertain significance. Review status: criteria provided, multiple submitters, no conflicts (2 of 4 stars). 3 submissions from 3 submitters: Uncertain significance (3). Last evaluated 2025-03-18.

Conditions:
CHARGE syndrome (CHARGE). Also called: CHARGE ASSOCIATION--COLOBOMA, HEART ANOMALY, CHOANAL ATRESIA, RETARDATION, GENITAL AND EAR ANOMALIES; Coloboma, heart anomaly, choanal atresia, retardation, genital and ear anomalies; CHARGE association; Hall-Hittner syndrome; Hittner Hirsch Kreh syndrome. Identifiers: Orphanet 138, MedGen C0265354, MONDO:0008965.
Hypogonadotropic hypogonadism 7 with or without anosmia (HH7). Also called: HYPOGONADOTROPIC HYPOGONADISM 7 WITHOUT ANOSMIA; GNRHR-Related GnRH Deficiency. Identifiers: Orphanet 432, MedGen C0342384, MONDO:0007794, OMIM 146110.

Allele frequency attached by ClinVar (database versions not stated): gnomAD exomes 0.00003 and 0.00010; gnomAD 0.00005; TOPMed 0.00007; ExAC 0.00008; 1000 Genomes Project 30x 0.00016; 1000 Genomes Project 0.00020.
gnomAD v4.1: 58 of 1,613,072 alleles (0.0036%); highest among the groups gnomAD compares: East Asian, 0.12%; no homozygotes.

Submissions (3):

Labcorp Genetics (formerly Invitae), Labcorp
Classification: Uncertain significance for CHARGE syndrome. Last evaluated: 2025-03-18. Review status: criteria provided, single submitter. Criteria: Invitae Variant Classification Sherloc (09022015). Collection method: clinical testing. Allele origin: germline.
Comment: This sequence change replaces tyrosine, which is neutral and polar, with histidine, which is basic and polar, at codon 66 of the SEMA3E protein (p.Tyr66His). This variant is present in population databases (rs558904762, gnomAD 0.1%), and has an allele count higher than expected for a pathogenic variant. This variant has not been reported in the literature in individuals affected with SEMA3E-related conditions. ClinVar contains an entry for this variant (Variation ID: 853003). An algorithm developed to predict the effect of missense changes on protein structure and function (PolyPhen-2) suggests that this variant is likely to be disruptive. In summary, the available evidence is currently insufficient to determine the role of this variant in disease. Therefore, it has been classified as a Variant of Uncertain Significance.

Ambry Genetics
Classification: Uncertain significance. Last evaluated: 2022-05-27. Review status: criteria provided, single submitter. Criteria: Ambry Variant Classification Scheme 2023. Collection method: clinical testing. Allele origin: germline.

Fulgent Genetics
Classification: Uncertain significance for Hypogonadotropic hypogonadism 7 with or without anosmia; CHD7-related CHARGE syndrome. Last evaluated: 2022-05-05. Review status: criteria provided, single submitter. Criteria: ACMG Guidelines, 2015. Collection method: clinical testing. Allele origin: unknown.

NM_012431.3(SEMA3E):c.196T>C (p.Tyr66His)

Gene: SEMA3E (semaphorin 3E; minus strand). Cytogenetic location: 7q21.11.
Variant type: single nucleotide variant.
Coding change: c.196T>C on transcript NM_012431.3 (MANE Select); coding-DNA position 196, T replaced by C.
Protein change: p.Tyr66His; replaces tyrosine 66 with histidine.
Molecular consequence: missense variant.
Genome position (GRCh38, 1-based): chr7:83,490,194, A>G on the plus strand (T>C on the coding strand, the complement: SEMA3E is on the minus strand). VCF-style: chr7-83490194-A-G. GRCh37 (hg19) VCF-style: chr7-83119510-A-G.
Other names: c.16T>C, p.Tyr6His (NM_001178129.2); short protein forms Y66H, Y6H.
Identifiers: ClinVar variation 853003 (VCV000853003.12), dbSNP rs558904762, ClinGen allele CA4322432.